The following is an entry in ClinVar:

NM_003380.5(VIM):c.623A>G (p.Gln208Arg)

Gene: VIM (vimentin; plus strand). Cytogenetic location: 10p13.
Variant type: single nucleotide variant.
Coding change: c.623A>G on transcript NM_003380.5 (MANE Select); coding-DNA position 623, A replaced by G.
Protein change: p.Gln208Arg; replaces glutamine 208 with arginine.
Molecular consequence: missense variant.
Genome position (GRCh38, 1-based): chr10:17,230,709, A>G. VCF-style: chr10-17230709-A-G. GRCh37 (hg19) VCF-style: chr10-17272708-A-G.
Other names: NM_003380.3:c.623A>G(p.Gln208Arg); short protein forms Q208R.
Identifiers: ClinVar variation 425575 (VCV000425575.3), dbSNP rs1085307141, ClinGen allele CA16622109.

ClinVar aggregate classification (germline): Uncertain significance. Review status: criteria provided, single submitter (1 of 4 stars). 2 submissions from 2 submitters: Uncertain significance (1). 1 of the submissions does not count toward it. Last evaluated 2018-04-16.

Conditions:
Cataract 30 (CTRCT30). Also called: CATARACT 30, PULVERULENT. Identifiers: Orphanet 91492, Orphanet 98984, Orphanet 98992, MedGen C3805411, MONDO:0007286, OMIM 116300.

Allele frequency attached by ClinVar (database versions not stated): gnomAD exomes below 0.00001.

Submissions (2):

SIB Swiss Institute of Bioinformatics
Classification: Uncertain significance for Cataract 30. Last evaluated: 2018-04-16. Review status: criteria provided, single submitter. Criteria: ACMG Guidelines, 2015. Collection method: curation. Allele origin: germline.
Comment: This variant is interpreted as a Uncertain Significance, for Cataract 30, multiple types, Autosomal Dominant inheritance. The following ACMG Tag(s) were applied: PM2 => Absent from controls (or at extremely low frequency if recessive) in Exome Sequencing Project, 1000 Genomes Project, or Exome Aggregation Consortium. PP1 => Cosegregation with disease in multiple affected family members in a gene definitively known to cause the disease (PMID:28450710).

OMIM
Classification: Pathogenic for CATARACT 30, POSTERIOR POLAR. Last evaluated: 2021-04-30. Review status: no assertion criteria provided. Collection method: literature only. Allele origin: germline. Not counted in ClinVar's aggregate classification.

Literature cited by the submitters: PubMed 28450710 (cited by SIB Swiss Institute of Bioinformatics and OMIM); Hamosh, A. Personal Communication. 2017. Baltimore, Md. (cited by OMIM).